The following is an entry in ClinVar:

NM_000981.4(RPL19):c.179G>A (p.Arg60Gln)

Gene: RPL19 (ribosomal protein L19; plus strand). Cytogenetic location: 17q12.
Variant type: single nucleotide variant.
Coding change: c.179G>A on transcript NM_000981.4 (MANE Select); coding-DNA position 179, G replaced by A.
Protein change: p.Arg60Gln; replaces arginine 60 with glutamine.
Molecular consequence: missense variant.
Genome position (GRCh38, 1-based): chr17:39,202,383, G>A. VCF-style: chr17-39202383-G-A. GRCh37 (hg19) VCF-style: chr17-37358636-G-A.
Other names: c.173G>A, p.Arg58Gln (NM_001330200.1); short protein forms R60Q, R58Q.
Identifiers: ClinVar variation 3708652 (VCV003708652.2).
Genomic context (GRCh38, chr17:39,202,383, plus strand): 5'-AGATCCGGAAGCTCATCAAAGATGGGCTGATCATCCGCAAGCCTGTGACGGTCCATTCCC[G>A]GGCTCGATGCCGGAAAAACACCTTGGCCCGCCGGAAGGGCAGGCACATGGGCATAGGTAA-3'
Protein context (NP_000972.1, residues 50-70): IIRKPVTVHS[Arg60Gln]ARCRKNTLAR

ClinVar aggregate classification (germline): Uncertain significance (1 of 4 stars; one submission).

gnomAD v4.1: 38 of 1,614,068 alleles (0.0024%); highest among the groups gnomAD compares: Non-Finnish European, 0.0027%; no homozygotes.

Submission:

Labcorp Genetics (formerly Invitae), Labcorp
Classification: Uncertain significance. Last evaluated: 2025-09-14. Review status: criteria provided, single submitter. Criteria: Invitae Variant Classification Sherloc (09022015). Collection method: clinical testing. Allele origin: germline.
Comment: This sequence change replaces arginine, which is basic and polar, with glutamine, which is neutral and polar, at codon 60 of the RPL19 protein (p.Arg60Gln). This variant is present in population databases (rs771540745, gnomAD 0.008%). This variant has not been reported in the literature in individuals affected with RPL19-related conditions. ClinVar contains an entry for this variant (Variation ID: 3708652). An algorithm developed to predict the effect of missense changes on protein structure and function (PolyPhen-2) suggests that this variant is likely to be tolerated. In summary, the available evidence is currently insufficient to determine the role of this variant in disease. Therefore, it has been classified as a Variant of Uncertain Significance.